The following is an entry in ClinVar:

ClinVar aggregate classification (germline): Conflicting classifications of pathogenicity. Review status: criteria provided, conflicting classifications (1 of 4 stars). 2 submissions from 2 submitters: Uncertain significance (1); Likely benign (1). Last evaluated 2025-11-09.

Conditions:
Hereditary cancer-predisposing syndrome. Also called: Tumor predisposition; Hereditary neoplastic syndrome; Hereditary Cancer Syndrome; Neoplastic Syndromes, Hereditary. Identifiers: Orphanet 140162, MedGen C0027672, MeSH D009386, MONDO:0015356.

Submissions (2):

Labcorp Genetics (formerly Invitae), Labcorp
Classification: Uncertain significance. Last evaluated: 2025-11-09. Review status: criteria provided, single submitter. Criteria: Invitae Variant Classification Sherloc (09022015). Collection method: clinical testing. Allele origin: germline.
Comment: This sequence change replaces aspartic acid, which is acidic and polar, with glycine, which is neutral and non-polar, at codon 529 of the POLE protein (p.Asp529Gly). This variant is not present in population databases (gnomAD no frequency). This variant has not been reported in the literature in individuals affected with POLE-related conditions. ClinVar contains an entry for this variant (Variation ID: 577226). An algorithm developed to predict the effect of missense changes on protein structure and function (PolyPhen-2) suggests that this variant is likely to be tolerated. In summary, the available evidence is currently insufficient to determine the role of this variant in disease. Therefore, it has been classified as a Variant of Uncertain Significance.

Ambry Genetics
Classification: Likely benign for Hereditary cancer-predisposing syndrome. Last evaluated: 2025-01-19. Review status: criteria provided, single submitter. Criteria: Ambry Variant Classification Scheme 2023. Collection method: clinical testing. Allele origin: germline.

NM_006231.4(POLE):c.1586A>G (p.Asp529Gly)

Gene: POLE (DNA polymerase epsilon, catalytic subunit; minus strand). Cytogenetic location: 12q24.33.
Variant type: single nucleotide variant.
Coding change: c.1586A>G on transcript NM_006231.4 (MANE Select); coding-DNA position 1586, A replaced by G.
Protein change: p.Asp529Gly; replaces aspartic acid 529 with glycine.
Molecular consequence: missense variant.
Genome position (GRCh38, 1-based): chr12:132,672,727, T>C on the plus strand (A>G on the coding strand, the complement: POLE is on the minus strand). VCF-style: chr12-132672727-T-C. GRCh37 (hg19) VCF-style: chr12-133249313-T-C.
Other names: short protein forms D529G.
Identifiers: ClinVar variation 577226 (VCV000577226.13), dbSNP rs1565971720, ClinGen allele CA387356922.